The following is an entry in ClinVar:

NM_007194.4(CHEK2):c.683+5A>C

Gene: CHEK2 (checkpoint kinase 2; minus strand). Cytogenetic location: 22q12.1.
Variant type: single nucleotide variant.
Coding change: c.683+5A>C on transcript NM_007194.4 (MANE Select); 5 bases into the intron after coding-DNA position 683, A replaced by C.
Molecular consequence: intron variant.
Genome position (GRCh38, 1-based): chr22:28,719,390, T>G on the plus strand (A>C on the coding strand, the complement: CHEK2 is on the minus strand). VCF-style: chr22-28719390-T-G. GRCh37 (hg19) VCF-style: chr22-29115378-T-G.
Other names: c.20+5A>C (NM_001437942.1, NM_001257387.3); c.482+5496A>C (NM_001349956.3); c.683+5A>C (NM_145862.3); c.776+5A>C (NM_001438295.1, NM_001438293.1); c.812+5A>C (NM_001438294.1, NM_001005735.3).
Identifiers: ClinVar variation 1377817 (VCV001377817.7), dbSNP rs2146004424, ClinGen allele CA2573158027.

ClinVar aggregate classification (germline): Uncertain significance (1 of 4 stars; one submission).

Conditions:
Familial cancer of breast. Also called: Hereditary breast cancer; BREAST CANCER, FAMILIAL; hereditary breast carcinoma. Identifiers: Orphanet 227535, MedGen C0346153, MONDO:0016419, OMIM 114480. Disease mechanism: loss of function.

gnomAD v4.1: 1 of 1,526,096 alleles (0.000066%); no homozygotes.

Submission:

Labcorp Genetics (formerly Invitae), Labcorp
Classification: Uncertain significance for Familial cancer of breast. Last evaluated: 2025-03-05. Review status: criteria provided, single submitter. Criteria: Invitae Variant Classification Sherloc (09022015). Collection method: clinical testing. Allele origin: germline.
Comment: This sequence change falls in intron 5 of the CHEK2 gene. It does not directly change the encoded amino acid sequence of the CHEK2 protein. It affects a nucleotide within the consensus splice site. This variant is not present in population databases (gnomAD no frequency). This variant has not been reported in the literature in individuals affected with CHEK2-related conditions. ClinVar contains an entry for this variant (Variation ID: 1377817). Variants that disrupt the consensus splice site are a relatively common cause of aberrant splicing (PMID: 17576681, 9536098). Algorithms developed to predict the effect of sequence changes on RNA splicing suggest that this variant is not likely to affect RNA splicing. In summary, the available evidence is currently insufficient to determine the role of this variant in disease. Therefore, it has been classified as a Variant of Uncertain Significance.

Literature cited by the submitters: PubMed 17576681; PubMed 9536098.